The following is an entry in ClinVar:

ClinVar aggregate classification (germline): Uncertain significance (1 of 4 stars; one submission).

Allele frequency attached by ClinVar (database versions not stated): gnomAD exomes below 0.00001; gnomAD 0.00001; TOPMed 0.00001.
gnomAD v4.1: 9 of 1,612,588 alleles (0.00056%); highest among the groups gnomAD compares: African/African-American, 0.0013%; no homozygotes.

Submission:

Labcorp Genetics (formerly Invitae), Labcorp
Classification: Uncertain significance. Last evaluated: 2024-10-16. Review status: criteria provided, single submitter. Criteria: Invitae Variant Classification Sherloc (09022015). Collection method: clinical testing. Allele origin: germline.
Comment: This sequence change replaces arginine, which is basic and polar, with tryptophan, which is neutral and slightly polar, at codon 549 of the DEF6 protein (p.Arg549Trp). The frequency data for this variant in the population databases is considered unreliable, as metrics indicate poor data quality at this position in the gnomAD database. This variant has not been reported in the literature in individuals affected with DEF6-related conditions. ClinVar contains an entry for this variant (Variation ID: 1521277). An algorithm developed to predict the effect of missense changes on protein structure and function (PolyPhen-2) suggests that this variant is likely to be disruptive. In summary, the available evidence is currently insufficient to determine the role of this variant in disease. Therefore, it has been classified as a Variant of Uncertain Significance.

NM_022047.4(DEF6):c.1645C>T (p.Arg549Trp)

Gene: DEF6 (DEF6 guanine nucleotide exchange factor; plus strand). Cytogenetic location: 6p21.31.
Variant type: single nucleotide variant.
Coding change: c.1645C>T on transcript NM_022047.4 (MANE Select); coding-DNA position 1645, C replaced by T.
Protein change: p.Arg549Trp; replaces arginine 549 with tryptophan.
Molecular consequence: missense variant.
Genome position (GRCh38, 1-based): chr6:35,320,947, C>T. VCF-style: chr6-35320947-C-T. GRCh37 (hg19) VCF-style: chr6-35288724-C-T.
Other names: short protein forms R549W.
Identifiers: ClinVar variation 1521277 (VCV001521277.7), dbSNP rs1005606816, ClinGen allele CA137284127.